The following is an entry in ClinVar:

NM_000395.3(CSF2RB):c.2522C>T (p.Ser841Phe)

Gene: CSF2RB (colony stimulating factor 2 receptor subunit beta; plus strand). Cytogenetic location: 22q12.3.
Variant type: single nucleotide variant.
Coding change: c.2522C>T on transcript NM_000395.3 (MANE Select); coding-DNA position 2522, C replaced by T.
Protein change: p.Ser841Phe; replaces serine 841 with phenylalanine.
Molecular consequence: missense variant.
Genome position (GRCh38, 1-based): chr22:36,938,330, C>T. VCF-style: chr22-36938330-C-T. GRCh37 (hg19) VCF-style: chr22-37334372-C-T.
Other names: c.2540C>T, p.Ser847Phe (NM_001410827.1); short protein forms S841F, S847F.
Identifiers: ClinVar variation 2409576 (VCV002409576.5), dbSNP rs376607600, ClinGen allele CA10214147.

ClinVar aggregate classification (germline): Uncertain significance. Review status: criteria provided, multiple submitters, no conflicts (2 of 4 stars). 2 submissions from 2 submitters: Uncertain significance (2). Last evaluated 2025-12-06.

Conditions:
Inborn genetic diseases. Identifiers: MedGen C0950123, MeSH D030342.

Allele frequency attached by ClinVar (database versions not stated): ExAC 0.00002; gnomAD exomes 0.00005; ESP Exome Variant Server 0.00008; gnomAD 0.00007; TOPMed 0.00007.
gnomAD v4.1: 81 of 1,614,086 alleles (0.005%); highest among the groups gnomAD compares: Non-Finnish European, 0.0064%; no homozygotes.

Submissions (2):

Labcorp Genetics (formerly Invitae), Labcorp
Classification: Uncertain significance. Last evaluated: 2025-12-06. Review status: criteria provided, single submitter. Criteria: Invitae Variant Classification Sherloc (09022015). Collection method: clinical testing. Allele origin: germline.
Comment: This sequence change replaces serine, which is neutral and polar, with phenylalanine, which is neutral and non-polar, at codon 841 of the CSF2RB protein (p.Ser841Phe). This variant is present in population databases (rs376607600, gnomAD 0.006%). This variant has not been reported in the literature in individuals affected with CSF2RB-related conditions. ClinVar contains an entry for this variant (Variation ID: 2409576). Invitae Evidence Modeling of protein sequence and biophysical properties (such as structural, functional, and spatial information, amino acid conservation, physicochemical variation, residue mobility, and thermodynamic stability) has been performed for this missense variant. However, the output from this modeling did not meet the statistical confidence thresholds required to predict the impact of this variant on CSF2RB protein function. In summary, the available evidence is currently insufficient to determine the role of this variant in disease. Therefore, it has been classified as a Variant of Uncertain Significance.

Ambry Genetics
Classification: Uncertain significance for Inborn genetic diseases. Last evaluated: 2021-07-06. Review status: criteria provided, single submitter. Criteria: Ambry Variant Classification Scheme 2023. Collection method: clinical testing. Allele origin: germline.